The following is an entry in ClinVar:

NM_004064.5(CDKN1B):c.106del (p.Val36fs)

Gene: CDKN1B (cyclin dependent kinase inhibitor 1B; plus strand). Cytogenetic location: 12p13.1.
Variant type: Deletion.
Coding change: c.106del on transcript NM_004064.5 (MANE Select); coding-DNA position 106, one base deleted (G; older notation c.106delG).
Protein change: p.Val36fs; shifts the reading frame from valine 36.
Molecular consequence: frameshift variant.
Genome position (GRCh38, 1-based): chr12:12,717,945, G deleted; the last of 2 consecutive G bases (chr12:12,717,944-12,717,945); deleting either gives the same sequence. VCF-style (leftmost placement, unchanged base first): chr12-12717943-CG-C. GRCh37 (hg19) VCF-style: chr12-12870877-CG-C.
Other names: short protein forms V36fs.
Identifiers: ClinVar variation 3489641 (VCV003489641.1).

ClinVar aggregate classification (germline): Pathogenic (1 of 4 stars; one submission).

Conditions:
Hereditary cancer-predisposing syndrome. Also called: Tumor predisposition; Neoplastic Syndromes, Hereditary; Hereditary Cancer Syndrome; Hereditary neoplastic syndrome. Identifiers: Orphanet 140162, MedGen C0027672, MeSH D009386, MONDO:0015356.

Submission:

Ambry Genetics
Classification: Pathogenic for Hereditary cancer-predisposing syndrome. Last evaluated: 2024-12-03. Review status: criteria provided, single submitter. Criteria: Ambry Variant Classification Scheme 2023. Collection method: clinical testing. Allele origin: germline.
Comment: The c.106delG pathogenic mutation, located in coding exon 1 of the CDKN1B gene, results from a deletion of one nucleotide at nucleotide position 106, causing a translational frameshift with a predicted alternate stop codon (p.V36Wfs*6). This variant is considered to be rare based on population cohorts in the Genome Aggregation Database (gnomAD). This alteration is expected to result in loss of function by premature protein truncation or nonsense-mediated mRNA decay. As such, this alteration is interpreted as a disease-causing mutation.